The following is an entry in ClinVar:

ClinVar aggregate classification (germline): Uncertain significance (1 of 4 stars; one submission).

Conditions:
Cardiovascular phenotype. Identifiers: MedGen CN230736.

Submission:

Ambry Genetics
Classification: Uncertain significance for Cardiovascular phenotype. Last evaluated: 2022-01-26. Review status: criteria provided, single submitter. Criteria: Ambry Variant Classification Scheme 2023. Collection method: clinical testing. Allele origin: germline.
Comment: The c.-5G>C variant is located in the 5' untranslated region (5&rsquo; UTR) of the CALM2 gene. This variant results from a G to C substitution 5 bases upstream from the first translated codon. Based on nucleotide sequence alignment, this position is highly conserved in available vertebrate species. Since supporting evidence is limited at this time, the clinical significance of this alteration remains unclear.

NM_001743.6(CALM2):c.-5G>C

Gene: CALM2 (calmodulin 2; minus strand). Cytogenetic location: 2p21.
Variant type: single nucleotide variant.
Coding change: c.-5G>C on transcript NM_001743.6 (MANE Select); 5 bases upstream of the start codon, G replaced by C.
Molecular consequence: 5 prime UTR variant. On other transcripts: intron variant (1), missense variant (1).
Genome position (GRCh38, 1-based): chr2:47,176,448, C>G on the plus strand (G>C on the coding strand, the complement: CALM2 is on the minus strand). VCF-style: chr2-47176448-C-G. GRCh37 (hg19) VCF-style: chr2-47403587-C-G.
Other names: c.-106+401G>C (NM_001305625.2); c.94G>C, p.Ala32Pro (NM_001305624.1); short protein forms A32P.
Identifiers: ClinVar variation 1751012 (VCV001751012.2), dbSNP rs1053340646, ClinGen allele CA346722503.